The following is an entry in ClinVar:

ClinVar aggregate classification (germline): Uncertain significance (1 of 4 stars; one submission).

gnomAD v4.1: 1 of 1,565,326 alleles (0.000064%); highest among the groups gnomAD compares: Non-Finnish European, 0.000087%; no homozygotes.

Submission:

GeneDx
Classification: Uncertain significance. Last evaluated: 2025-01-07. Review status: criteria provided, single submitter. Criteria: GeneDx Variant Classification Process June 2021. Collection method: clinical testing. Allele origin: germline. Affected: yes.
Comment: Not observed at significant frequency in large population cohorts (gnomAD); In silico analysis supports that this missense variant has a deleterious effect on protein structure/function; Has not been previously published as pathogenic or benign to our knowledge

NM_012309.5(SHANK2):c.2590C>G (p.Arg864Gly)

Gene: SHANK2 (SH3 and multiple ankyrin repeat domains 2; minus strand). Cytogenetic location: 11q13.3.
Variant type: single nucleotide variant.
Coding change: c.2590C>G on transcript NM_012309.5 (MANE Select); coding-DNA position 2590, C replaced by G.
Protein change: p.Arg864Gly; replaces arginine 864 with glycine.
Molecular consequence: missense variant.
Genome position (GRCh38, 1-based): chr11:70,487,703, G>C on the plus strand (C>G on the coding strand, the complement: SHANK2 is on the minus strand). VCF-style: chr11-70487703-G-C. GRCh37 (hg19) VCF-style: chr11-70333808-G-C.
Other names: c.1453C>G, p.Arg485Gly (NM_001379226.1); c.826C>G, p.Arg276Gly (NM_133266.5); short protein forms R864G, R276G, R485G.
Identifiers: ClinVar variation 4055766 (VCV004055766.1).